The following is an entry in ClinVar:

NM_152618.3(BBS12):c.367T>C (p.Cys123Arg)

Gene: BBS12 (Bardet-Biedl syndrome 12; plus strand). Cytogenetic location: 4q27.
Variant type: single nucleotide variant.
Coding change: c.367T>C on transcript NM_152618.3 (MANE Select); coding-DNA position 367, T replaced by C.
Protein change: p.Cys123Arg; replaces cysteine 123 with arginine.
Molecular consequence: missense variant.
Genome position (GRCh38, 1-based): chr4:122,742,259, T>C. VCF-style: chr4-122742259-T-C. GRCh37 (hg19) VCF-style: chr4-123663414-T-C.
Other names: c.367T>C, p.Cys123Arg (NM_001178007.2); short protein forms C123R.
Identifiers: ClinVar variation 3544432 (VCV003544432.1).

ClinVar aggregate classification (germline): Likely pathogenic (1 of 4 stars; one submission).

Conditions:
Bardet-Biedl syndrome (BBS). Identifiers: Orphanet 110, MedGen C0752166, MONDO:0015229.

gnomAD v4.1: 3 of 1,613,898 alleles (0.00019%); highest among the groups gnomAD compares: South Asian, 0.0022%; no homozygotes.

Submission:

Lab De Baere, Eye and Developmental Genetics Lab, Ghent University
Classification: Likely pathogenic for Bardet-Biedl syndrome. Last evaluated: 2024-10-01. Review status: criteria provided, single submitter. Criteria: ACMG Guidelines, 2015. Collection method: research. Allele origin: inherited. Affected: yes. Observed: 1 variant allele.
Comment: ACMG/AMP guidelines: PM2, PP3, PP1, PM3_2